The following is an entry in ClinVar:

ClinVar aggregate classification (germline): Uncertain significance. Review status: criteria provided, multiple submitters, no conflicts (2 of 4 stars). 3 submissions from 3 submitters: Uncertain significance (3). Last evaluated 2025-05-05.

Conditions:
Inborn genetic diseases. Identifiers: MedGen C0950123, MeSH D030342.

Submissions (3):

GeneDx
Classification: Uncertain significance. Last evaluated: 2025-05-05. Review status: criteria provided, single submitter. Criteria: GeneDx Variant Classification Process June 2021. Collection method: clinical testing. Allele origin: germline. Affected: yes.
Comment: Not observed at significant frequency in large population cohorts (gnomAD); In silico analysis supports that this missense variant has a deleterious effect on protein structure/function; Has not been previously published as pathogenic or benign to our knowledge

Labcorp Genetics (formerly Invitae), Labcorp
Classification: Uncertain significance. Last evaluated: 2024-05-05. Review status: criteria provided, single submitter. Criteria: Invitae Variant Classification Sherloc (09022015). Collection method: clinical testing. Allele origin: germline.
Comment: This sequence change replaces asparagine, which is neutral and polar, with aspartic acid, which is acidic and polar, at codon 41 of the CYFIP2 protein (p.Asn41Asp). This variant is not present in population databases (gnomAD no frequency). This variant has not been reported in the literature in individuals affected with CYFIP2-related conditions. ClinVar contains an entry for this variant (Variation ID: 2257413). Experimental studies and prediction algorithms are not available or were not evaluated, and the functional significance of this variant is currently unknown. In summary, the available evidence is currently insufficient to determine the role of this variant in disease. Therefore, it has been classified as a Variant of Uncertain Significance.

Ambry Genetics
Classification: Uncertain significance for Inborn genetic diseases. Last evaluated: 2021-10-26. Review status: criteria provided, single submitter. Criteria: Ambry Variant Classification Scheme 2023. Collection method: clinical testing. Allele origin: germline.

NM_001037333.3(CYFIP2):c.121A>G (p.Asn41Asp)

Gene: CYFIP2 (cytoplasmic FMR1 interacting protein 2; plus strand). Cytogenetic location: 5q33.3.
Variant type: single nucleotide variant.
Coding change: c.121A>G on transcript NM_001037333.3 (MANE Select); coding-DNA position 121, A replaced by G.
Protein change: p.Asn41Asp; replaces asparagine 41 with aspartic acid.
Molecular consequence: missense variant.
Genome position (GRCh38, 1-based): chr5:157,287,022, A>G. VCF-style: chr5-157287022-A-G. GRCh37 (hg19) VCF-style: chr5-156714031-A-G.
Other names: c.121A>G, p.Asn41Asp (NM_001291721.2, NM_001291722.2, NM_014376.4); c.121A>G (NM_001037333.2); short protein forms N41D.
Identifiers: ClinVar variation 2257413 (VCV002257413.5), dbSNP rs2532246271, ClinGen allele CA361965437.
Genomic context (GRCh38, chr5:157,287,022, plus strand): 5'-AGCCAACTTGGAACTGTTTTCTAACAACCAAAATGTTCCTGTCCTCTAATTCCACAGGCT[A>G]ACTTTGACACAAACTTTGAGGACAGGAATGCATTTGTCACGGGCATTGCAAGGTACATTG-3'
Protein context (NP_001032410.1, residues 31-51): PPPSSIMYQA[Asn41Asp]FDTNFEDRNA